The following is an entry in ClinVar:

ClinVar aggregate classification (germline): Benign. Review status: criteria provided, multiple submitters, no conflicts (2 of 4 stars). 10 submissions from 10 submitters: Benign (10). Last evaluated 2026-02-03.

Conditions:
Cornelia de Lange syndrome 1 (CDLS1). Also called: NIPBL-Related Cornelia de Lange Syndrome; Brachmann de Lange syndrome; TYPUS DEGENERATIVUS AMSTELODAMENSIS. Identifiers: Orphanet 199, MedGen C4551851, MONDO:0007387, OMIM 122470.

Allele frequency attached by ClinVar (database versions not stated): ExAC 0.00912; gnomAD 0.02012 and 0.02109; 1000 Genomes Project 0.02256; ESP Exome Variant Server 0.02293; TOPMed 0.02306; 1000 Genomes Project 30x 0.02561.
gnomAD v4.1: 9,579 of 1,431,466 alleles (0.67%); highest among the groups gnomAD compares: African/African-American, 6.4%; 170 homozygotes.

Submissions (10):

Labcorp Genetics (formerly Invitae), Labcorp
Classification: Benign for Cornelia de Lange syndrome 1. Last evaluated: 2026-02-03. Review status: criteria provided, single submitter. Criteria: Invitae Variant Classification Sherloc (09022015). Collection method: clinical testing. Allele origin: germline.

Fulgent Genetics
Classification: Benign for Cornelia de Lange syndrome 1. Last evaluated: 2022-03-04. Review status: criteria provided, single submitter. Criteria: ACMG Guidelines, 2015. Collection method: clinical testing. Allele origin: unknown.

Genome-Nilou Lab
Classification: Benign for Cornelia de Lange syndrome 1. Last evaluated: 2021-07-15. Review status: criteria provided, single submitter. Criteria: ACMG Guidelines, 2015. Collection method: clinical testing. Allele origin: germline. Affected: no.

Athena Diagnostics
Classification: Benign. Last evaluated: 2019-11-01. Review status: criteria provided, single submitter. Criteria: Athena Diagnostics Criteria. Collection method: clinical testing. Allele origin: unknown.

Illumina Laboratory Services, Illumina
Classification: Benign for Cornelia de Lange syndrome 1. Last evaluated: 2018-01-12. Review status: criteria provided, single submitter. Criteria: ICSL Variant Classification Criteria 13 December 2019. Collection method: clinical testing. Allele origin: germline.
Comment: This variant was observed in the ICSL laboratory as part of a predisposition screen in an ostensibly healthy population. It had not been previously curated by ICSL or reported in the Human Gene Mutation Database (HGMD: prior to June 1st, 2018), and was therefore a candidate for classification through an automated scoring system. Utilizing variant allele frequency, disease prevalence and penetrance estimates, and inheritance mode, an automated score was calculated to assess if this variant is too frequent to cause the disease. Based on the score and internal cut-off values, a variant classified as benign is not then subjected to further curation. The score for this variant resulted in a classification of benign for this disease.

GeneDx
Classification: Benign. Last evaluated: 2015-04-18. Review status: criteria provided, single submitter. Criteria: GeneDx Variant Classification (06012015). Collection method: clinical testing. Allele origin: germline. Affected: yes.
Comment: This variant is considered likely benign or benign based on one or more of the following criteria: it is a conservative change, it occurs at a poorly conserved position in the protein, it is predicted to be benign by multiple in silico algorithms, and/or has population frequency not consistent with disease.

Genetic Services Laboratory, University of Chicago
Classification: Benign. Last evaluated: 2013-02-08. Review status: criteria provided, single submitter. Criteria: ACMG Guidelines, 2007. Collection method: clinical testing. Allele origin: germline. Inheritance: Autosomal dominant inheritance.

Eurofins Ntd Llc (ga)
Classification: Benign. Last evaluated: 2013-01-23. Review status: criteria provided, single submitter. Criteria: EGL Classification Definitions 2015. Collection method: clinical testing. Allele origin: germline. Observed: 2 variant alleles, 2 heterozygotes.

Breakthrough Genomics
Classification: Benign. Review status: criteria provided, single submitter. Criteria: ACMG Guidelines, 2015. Collection method: not provided. Allele origin: germline. Inheritance: Autosomal dominant inheritance. Affected: yes.

PreventionGenetics, part of Exact Sciences
Classification: Benign. Review status: criteria provided, single submitter. Criteria: ACMG Guidelines, 2015. Collection method: clinical testing. Allele origin: germline.

NM_133433.4(NIPBL):c.4421+7A>G

Gene: NIPBL (NIPBL cohesin loading factor; plus strand). Cytogenetic location: 5p13.2.
Variant type: single nucleotide variant.
Coding change: c.4421+7A>G on transcript NM_133433.4 (MANE Select); 7 bases into the intron after coding-DNA position 4421, A replaced by G.
Molecular consequence: intron variant.
Genome position (GRCh38, 1-based): chr5:37,008,730, A>G. VCF-style: chr5-37008730-A-G. GRCh37 (hg19) VCF-style: chr5-37008832-A-G.
Other names: c.4421+7A>G (NM_015384.5).
Identifiers: ClinVar variation 96341 (VCV000096341.27), dbSNP rs76297333, ClinGen allele CA149448.